The following is an entry in ClinVar:

NM_001242896.3(DEPDC5):c.2894_2919del (p.His965fs)

Gene: DEPDC5 (DEP domain containing 5, GATOR1 subcomplex subunit; plus strand). Cytogenetic location: 22q12.3.
Variant type: Deletion.
Coding change: c.2894_2919del on transcript NM_001242896.3 (MANE Select); coding-DNA positions 2894 to 2919, 26 bases deleted (ACTGCGACATCTATGGGGACAGGCCC).
Protein change: p.His965fs; shifts the reading frame from histidine 965.
Molecular consequence: frameshift variant. On other transcripts: non-coding transcript variant (5).
Genome position (GRCh38, 1-based): chr22:31,845,110-31,845,135, ACTGCGACATCTATGGGGACAGGCCC deleted; deleting any 26 consecutive bases within chr22:31,845,104-31,845,135 gives the same sequence; the c. name uses the placement nearest the transcript's 3' end. VCF-style (leftmost placement, unchanged base first): chr22-31845103-GAGGCCCACTGCGACATCTATGGGGAC-G. GRCh37 (hg19) VCF-style: chr22-32241089-GAGGCCCACTGCGACATCTATGGGGAC-G.
Other names: c.2867_2892del, p.His956fs (NM_001136029.4, NM_001369903.1, NM_014662.6); c.2660_2685del, p.His887fs (NM_001242897.2, NM_001363854.2, NM_001364319.2); c.2894_2919del, p.His965fs (NM_001363852.2, NM_001364318.2, NM_001364320.2); c.2810_2835del, p.His937fs (NM_001369901.1, NM_001369902.1); short protein forms H887fs, H956fs, H937fs, H965fs.
Identifiers: ClinVar variation 466477 (VCV000466477.9), dbSNP rs1555900914, ClinGen allele CA658658917.

ClinVar aggregate classification (germline): Pathogenic (1 of 4 stars; one submission).

Conditions:
Familial focal epilepsy with variable foci (FPEVF). Identifiers: Orphanet 98820, MedGen C1858477, MONDO:0020310.

Submission:

Labcorp Genetics (formerly Invitae), Labcorp
Classification: Pathogenic for Familial focal epilepsy with variable foci. Last evaluated: 2022-08-16. Review status: criteria provided, single submitter. Criteria: Invitae Variant Classification Sherloc (09022015). Collection method: clinical testing. Allele origin: germline.
Comment: This sequence change creates a premature translational stop signal (p.His965Profs*187) in the DEPDC5 gene. It is expected to result in an absent or disrupted protein product. Loss-of-function variants in DEPDC5 are known to be pathogenic (PMID: 23542697, 23542701). This variant is not present in population databases (gnomAD no frequency). This variant has not been reported in the literature in individuals affected with DEPDC5-related conditions. ClinVar contains an entry for this variant (Variation ID: 466477). For these reasons, this variant has been classified as Pathogenic.

Literature cited by the submitters: PubMed 23542697; PubMed 23542701.